The following is an entry in ClinVar:

ClinVar aggregate classification (germline): Uncertain significance. Review status: criteria provided, multiple submitters, no conflicts (2 of 4 stars). 2 submissions from 2 submitters: Uncertain significance (2). Last evaluated 2024-09-06.

Submissions (2):

Labcorp Genetics (formerly Invitae), Labcorp
Classification: Uncertain significance. Last evaluated: 2024-09-06. Review status: criteria provided, single submitter. Criteria: Invitae Variant Classification Sherloc (09022015). Collection method: clinical testing. Allele origin: germline.
Comment: This sequence change replaces proline, which is neutral and non-polar, with serine, which is neutral and polar, at codon 431 of the SON protein (p.Pro431Ser). This variant is present in population databases (rs537470652, gnomAD 0.003%). This variant has not been reported in the literature in individuals affected with SON-related conditions. An algorithm developed to predict the effect of missense changes on protein structure and function (PolyPhen-2) suggests that this variant is likely to be disruptive. In summary, the available evidence is currently insufficient to determine the role of this variant in disease. Therefore, it has been classified as a Variant of Uncertain Significance.

Blueprint Genetics
Classification: Uncertain significance. Last evaluated: 2023-09-20. Review status: criteria provided, single submitter. Criteria: ACMG Guidelines, 2015. Collection method: clinical testing. Allele origin: germline.

NM_138927.4(SON):c.1291C>T (p.Pro431Ser)

Gene: SON (SON DNA and RNA binding protein; plus strand). Cytogenetic location: 21q22.11.
Variant type: single nucleotide variant.
Coding change: c.1291C>T on transcript NM_138927.4 (MANE Select); coding-DNA position 1291, C replaced by T.
Protein change: p.Pro431Ser; replaces proline 431 with serine.
Molecular consequence: missense variant. On other transcripts: non-coding transcript variant (1), intron variant (1).
Genome position (GRCh38, 1-based): chr21:33,550,522, C>T. VCF-style: chr21-33550522-C-T. GRCh37 (hg19) VCF-style: chr21-34922828-C-T.
Other names: c.1291C>T, p.Pro431Ser (NM_001291411.2, NM_032195.3); c.244+4143C>T (NM_001291412.3); short protein forms P431S.
Identifiers: ClinVar variation 3695992 (VCV003695992.3).